The following is an entry in ClinVar:

ClinVar aggregate classification (germline): Uncertain significance. Review status: criteria provided, multiple submitters, no conflicts (2 of 4 stars). 3 submissions from 3 submitters: Uncertain significance (3). Last evaluated 2024-09-23.

Allele frequency attached by ClinVar (database versions not stated): gnomAD 0.00001; ExAC 0.00002; gnomAD exomes 0.00002 and 0.00004; TOPMed 0.00004; ESP Exome Variant Server 0.00008.
gnomAD v4.1: 67 of 1,614,084 alleles (0.0042%); highest among the groups gnomAD compares: Non-Finnish European, 0.0053%; no homozygotes.

Submissions (3):

GeneDx
Classification: Uncertain significance. Last evaluated: 2024-09-23. Review status: criteria provided, single submitter. Criteria: GeneDx Variant Classification Process June 2021. Collection method: clinical testing. Allele origin: germline. Affected: yes.
Comment: Has not been previously published as pathogenic or benign to our knowledge; Not observed at significant frequency in large population cohorts (gnomAD); In silico analysis indicates that this missense variant does not alter protein structure/function; This variant is associated with the following publications: (PMID: 31589614)

Women's Health and Genetics/Laboratory Corporation of America, LabCorp
Classification: Uncertain significance. Last evaluated: 2024-06-21. Review status: criteria provided, single submitter. Criteria: LabCorp Variant Classification Summary - May 2015. Collection method: clinical testing. Allele origin: germline.
Comment: Variant summary: SEC23B c.1873C>A (p.Leu625Ile) results in a conservative amino acid change located in the Sec23, C-terminal domain (IPR037550) of the encoded protein sequence. Four of five in-silico tools predict a damaging effect of the variant on protein function. The variant allele was found at a frequency of 2e-05 in 251464 control chromosomes. The available data on variant occurrences in the general population are insufficient to allow any conclusion about variant significance. To our knowledge, no occurrence of c.1873C>A in individuals affected with Congenital dyserythropoietic anemia, type II and no experimental evidence demonstrating its impact on protein function have been reported. ClinVar contains an entry for this variant (Variation ID: 422376). Based on the evidence outlined above, the variant was classified as uncertain significance.

ARUP Laboratories, Molecular Genetics and Genomics, ARUP Laboratories
Classification: Uncertain significance. Last evaluated: 2022-03-31. Review status: criteria provided, single submitter. Criteria: ARUP Molecular Germline Variant Investigation Process 2021. Collection method: clinical testing. Allele origin: germline.

NM_006363.6(SEC23B):c.1873C>A (p.Leu625Ile)

Gene: SEC23B (SEC23 homolog B, COPII coat complex component; plus strand). Cytogenetic location: 20p11.23.
Variant type: single nucleotide variant.
Coding change: c.1873C>A on transcript NM_006363.6 (MANE Select); coding-DNA position 1873, C replaced by A.
Protein change: p.Leu625Ile; replaces leucine 625 with isoleucine.
Molecular consequence: missense variant.
Genome position (GRCh38, 1-based): chr20:18,548,738, C>A. VCF-style: chr20-18548738-C-A. GRCh37 (hg19) VCF-style: chr20-18529382-C-A.
Other names: c.1873C>A, p.Leu625Ile (NM_001172745.3, NM_032985.6, NM_032986.5); c.1819C>A, p.Leu607Ile (NM_001172746.3); short protein forms L625I, L607I.
Identifiers: ClinVar variation 422376 (VCV000422376.7), dbSNP rs368458175, ClinGen allele CA9778515.